The following is an entry in ClinVar:

ClinVar aggregate classification (germline): Likely pathogenic (1 of 4 stars; one submission).

Conditions:
Cystic fibrosis (CF). Also called: MUCOVISCIDOSIS. Identifiers: Orphanet 586, MedGen C0010674, MONDO:0009061, OMIM 219700. Disease mechanism: loss of function.

Submission:

Myriad Genetics, Inc.
Classification: Likely pathogenic for Cystic fibrosis. Last evaluated: 2022-01-08. Review status: criteria provided, single submitter. Criteria: Myriad Women's Health Autosomal Recessive and X-Linked Classification Criteria (2021). Collection method: clinical testing. Allele origin: unknown.
Comment: NM_000492.3(CFTR):c.4032T>A(C1344*) is expected to be pathogenic in the context of cystic fibrosis. This variant is predicted to lead to an abnormal or absent protein product due to the creation of a premature termination codon in CFTR, a gene where loss-of-function variants are known to be pathogenic. Please note: this variant was assessed in the context of healthy population screening.

NM_000492.4(CFTR):c.4032T>A (p.Cys1344Ter)

Gene: CFTR (CF transmembrane conductance regulator; plus strand). Cytogenetic location: 7q31.2.
Variant type: single nucleotide variant.
Coding change: c.4032T>A on transcript NM_000492.4 (MANE Select); coding-DNA position 4032, T replaced by A.
Protein change: p.Cys1344Ter; replaces cysteine 1344 with a stop codon.
Molecular consequence: nonsense.
Genome position (GRCh38, 1-based): chr7:117,664,756, T>A. VCF-style: chr7-117664756-T-A. GRCh37 (hg19) VCF-style: chr7-117304810-T-A.
Other names: short protein forms C1344*.
Identifiers: ClinVar variation 1723906 (VCV001723906.2), dbSNP rs2485181747, ClinGen allele CA368982380.